The following is an entry in ClinVar:

NM_001363711.2(DUOX2):c.1587G>T (p.Lys529Asn)

Gene: DUOX2 (dual oxidase 2; minus strand). Cytogenetic location: 15q21.1.
Variant type: single nucleotide variant.
Coding change: c.1587G>T on transcript NM_001363711.2 (MANE Select); coding-DNA position 1587, G replaced by T.
Protein change: p.Lys529Asn; replaces lysine 529 with asparagine.
Molecular consequence: missense variant.
Genome position (GRCh38, 1-based): chr15:45,107,451, C>A on the plus strand (G>T on the coding strand, the complement: DUOX2 is on the minus strand). VCF-style: chr15-45107451-C-A. GRCh37 (hg19) VCF-style: chr15-45399649-C-A.
Other names: c.1587G>T, p.Lys529Asn (NM_014080.5); short protein forms K529N.
Identifiers: ClinVar variation 2637756 (VCV002637756.1), dbSNP rs746483045, ClinGen allele CA392274694.

ClinVar aggregate classification (germline): Uncertain significance (1 of 4 stars; one submission).

Submission:

Women's Health and Genetics/Laboratory Corporation of America, LabCorp
Classification: Uncertain significance. Last evaluated: 2023-10-16. Review status: criteria provided, single submitter. Criteria: LabCorp Variant Classification Summary - May 2015. Collection method: clinical testing. Allele origin: germline.
Comment: Variant summary: DUOX2 c.1587G>T (p.Lys529Asn) results in a non-conservative amino acid change located in the Dual oxidase, peroxidase domain (IPR034821) of the encoded protein sequence. Four of five in-silico tools predict a benign effect of the variant on protein function. The variant was absent in 251486 control chromosomes (gnomAD). The available data on variant occurrences in the general population are insufficient to allow any conclusion about variant significance. To our knowledge, no occurrence of c.1587G>T in individuals affected with Thyroid Dyshormonogenesis 6 and no experimental evidence demonstrating its impact on protein function have been reported. No submitters have cited clinical-significance assessments for this variant to ClinVar after 2014. Based on the evidence outlined above, the variant was classified as uncertain significance.